The following is an entry in ClinVar:

ClinVar aggregate classification (germline): Uncertain significance. Review status: criteria provided, multiple submitters, no conflicts (2 of 4 stars). 4 submissions from 4 submitters: Uncertain significance (2). 2 of the submissions do not count toward it. Last evaluated 2021-08-24.

Conditions:
FAH-related disorder. Also called: FAH-related condition.
Tyrosinemia type I (TYRSN1). Also called: Tyrosinemia type 1; Fumarylacetoacetase deficiency; Deficiency of fumarylacetoacetase; HEPATORENAL TYROSINEMIA; FAH DEFICIENCY. Identifiers: Orphanet 882, MedGen C0268490, MONDO:0010161, OMIM 276700. Disease mechanism: loss of function.

Allele frequency attached by ClinVar (database versions not stated): gnomAD exomes 0.00001 and 0.00004; ExAC 0.00005; gnomAD 0.00010 and 0.00012; TOPMed 0.00012; ESP Exome Variant Server 0.00023; 1000 Genomes Project 30x 0.00031; 1000 Genomes Project 0.00040.
gnomAD v4.1: 31 of 1,614,196 alleles (0.0019%); highest among the groups gnomAD compares: African/African-American, 0.027%; 1 homozygote.

Submissions (4):

Labcorp Genetics (formerly Invitae), Labcorp
Classification: Uncertain significance for Tyrosinemia type I. Last evaluated: 2021-08-24. Review status: criteria provided, single submitter. Criteria: Invitae Variant Classification Sherloc (09022015). Collection method: clinical testing. Allele origin: germline.
Comment: This sequence change replaces glycine with arginine at codon 138 of the FAH protein (p.Gly138Arg). The glycine residue is highly conserved and there is a moderate physicochemical difference between glycine and arginine. This variant is present in population databases (rs143243347, ExAC 0.03%). This variant has not been reported in the literature in individuals affected with FAH-related conditions. ClinVar contains an entry for this variant (Variation ID: 290073). Algorithms developed to predict the effect of missense changes on protein structure and function are either unavailable or do not agree on the potential impact of this missense change (SIFT: "Deleterious"; PolyPhen-2: "Probably Damaging"; Align-GVGD: "Class C15"). In summary, the available evidence is currently insufficient to determine the role of this variant in disease. Therefore, it has been classified as a Variant of Uncertain Significance.

Eurofins Ntd Llc (ga)
Classification: Uncertain significance. Last evaluated: 2017-11-13. Review status: criteria provided, single submitter. Criteria: EGL Classification Definitions 2015. Collection method: clinical testing. Allele origin: germline. Observed: 2 variant alleles, 2 heterozygotes.

PreventionGenetics, part of Exact Sciences
Classification: Uncertain significance for FAH-related condition. Last evaluated: 2024-04-25. Review status: no assertion criteria provided. Collection method: clinical testing. Allele origin: germline. Not counted in ClinVar's aggregate classification.
Comment: The FAH c.412G>A variant is predicted to result in the amino acid substitution p.Gly138Arg. To our knowledge, this variant has not been reported in the literature. This variant is reported in 0.036% of alleles in individuals of African descent in gnomAD. At this time, the clinical significance of this variant is uncertain due to the absence of conclusive functional and genetic evidence.

Natera, Inc.
Classification: Uncertain significance for Tyrosinemia type I. Last evaluated: 2018-07-18. Review status: no assertion criteria provided. Collection method: clinical testing. Allele origin: germline. Not counted in ClinVar's aggregate classification.

NM_000137.4(FAH):c.412G>A (p.Gly138Arg)

Gene: FAH (fumarylacetoacetate hydrolase; plus strand). Cytogenetic location: 15q25.1.
Variant type: single nucleotide variant.
Coding change: c.412G>A on transcript NM_000137.4 (MANE Select); coding-DNA position 412, G replaced by A.
Protein change: p.Gly138Arg; replaces glycine 138 with arginine.
Molecular consequence: missense variant.
Genome position (GRCh38, 1-based): chr15:80,162,293, G>A. VCF-style: chr15-80162293-G-A. GRCh37 (hg19) VCF-style: chr15-80454635-G-A.
Other names: c.412G>A, p.Gly138Arg (NM_001374377.1, NM_001374380.1); c.412G>A (NM_000137.2); short protein forms G138R.
Identifiers: ClinVar variation 290073 (VCV000290073.13), dbSNP rs143243347, ClinGen allele CA7691150.